The following is an entry in ClinVar:

NM_139076.3(ABRAXAS1):c.323A>T (p.Gln108Leu)

Gene: ABRAXAS1 (abraxas 1, BRCA1 A complex subunit; minus strand). Cytogenetic location: 4q21.23.
Variant type: single nucleotide variant.
Coding change: c.323A>T on transcript NM_139076.3 (MANE Select); coding-DNA position 323, A replaced by T.
Protein change: p.Gln108Leu; replaces glutamine 108 with leucine.
Molecular consequence: missense variant. On other transcripts: 5 prime UTR variant (1).
Genome position (GRCh38, 1-based): chr4:83,470,356, T>A on the plus strand (A>T on the coding strand, the complement: ABRAXAS1 is on the minus strand). VCF-style: chr4-83470356-T-A. GRCh37 (hg19) VCF-style: chr4-84391509-T-A.
Other names: c.-5A>T (NM_001345962.2); short protein forms Q108L.
Identifiers: ClinVar variation 940267 (VCV000940267.16), dbSNP rs1722533842, ClinGen allele CA357260156.

ClinVar aggregate classification (germline): Uncertain significance. Review status: criteria provided, multiple submitters, no conflicts (2 of 4 stars). 3 submissions from 3 submitters: Uncertain significance (3). Last evaluated 2025-12-05.

Conditions:
Hereditary breast ovarian cancer syndrome. Also called: Hereditary breast and/or ovarian cancer syndrome; Hereditary breast and ovarian cancer syndrome; Hereditary breast and ovarian cancer; Hereditary breast and ovarian cancer syndrome (HBOC); Breast and ovarian cancer; BRCA1- and BRCA2-Associated Hereditary Breast and Ovarian Cancer. Identifiers: Orphanet 145, MedGen C0677776, MeSH D061325, MONDO:0003582. Disease mechanism: loss of function.

Allele frequency attached by ClinVar (database versions not stated): gnomAD 0.00001; gnomAD exomes 0.00001.
gnomAD v4.1: 14 of 1,613,554 alleles (0.00087%); highest among the groups gnomAD compares: Admixed American, 0.0017%; no homozygotes.

Submissions (3):

Ambry Genetics
Classification: Uncertain significance. Last evaluated: 2025-12-05. Review status: criteria provided, single submitter. Criteria: Ambry Variant Classification Scheme 2023. Collection method: clinical testing. Allele origin: germline.
Comment: The p.Q108L variant (also known as c.323A>T), located in coding exon 5 of the FAM175A gene, results from an A to T substitution at nucleotide position 323. The glutamine at codon 108 is replaced by leucine, an amino acid with dissimilar properties. This amino acid position is conserved. In addition, the in silico prediction for this alteration is inconclusive. Since supporting evidence is limited at this time, the clinical significance of this alteration remains unclear.

Labcorp Genetics (formerly Invitae), Labcorp
Classification: Uncertain significance. Last evaluated: 2024-05-21. Review status: criteria provided, single submitter. Criteria: Invitae Variant Classification Sherloc (09022015). Collection method: clinical testing. Allele origin: germline.
Comment: This sequence change replaces glutamine, which is neutral and polar, with leucine, which is neutral and non-polar, at codon 108 of the ABRAXAS1 protein (p.Gln108Leu). This variant is not present in population databases (gnomAD no frequency). This variant has not been reported in the literature in individuals affected with ABRAXAS1-related conditions. ClinVar contains an entry for this variant (Variation ID: 940267). Advanced modeling of protein sequence and biophysical properties (such as structural, functional, and spatial information, amino acid conservation, physicochemical variation, residue mobility, and thermodynamic stability) performed at Invitae indicates that this missense variant is not expected to disrupt ABRAXAS1 protein function with a negative predictive value of 80%. In summary, the available evidence is currently insufficient to determine the role of this variant in disease. Therefore, it has been classified as a Variant of Uncertain Significance.

Genomics Laboratory, Virgen de la Arrixaca University Clinical Hospital
Classification: Uncertain significance for Hereditary breast ovarian cancer syndrome. Review status: criteria provided, single submitter. Criteria: ACMG Guidelines, 2015. Collection method: clinical testing. Allele origin: unknown. Inheritance: Autosomal dominant inheritance. Affected: yes.